The following is an entry in ClinVar:

NM_001377265.1(MAPT):c.134-1G>C

Gene: MAPT (microtubule associated protein tau). Cytogenetic location: 17q21.31.
Variant type: single nucleotide variant.
Coding change: c.134-1G>C on transcript NM_001377265.1 (MANE Select); the canonical splice acceptor site of the intron before coding-DNA position 134, G replaced by C.
Molecular consequence: splice acceptor variant. On other transcripts: intron variant (3).
Genome position (GRCh38, 1-based): chr17:45,971,858, G>C. VCF-style: chr17-45971858-G-C. GRCh37 (hg19) VCF-style: chr17-44049224-G-C.
Other names: c.134-6517G>C (NM_001377268.1, NM_016834.5, NM_016841.5); c.134-1G>C (NM_001123066.4, NM_016835.5, NM_005910.6 and 5 more transcripts).
Identifiers: ClinVar variation 5017276 (VCV005017276.1).

ClinVar aggregate classification (germline): Uncertain significance (1 of 4 stars; one submission).

gnomAD v4.1: 1 of 1,612,350 alleles (0.000062%); highest among the groups gnomAD compares: Non-Finnish European, 0.000085%; no homozygotes.

Submission:

GeneDx
Classification: Uncertain significance. Last evaluated: 2026-03-24. Review status: criteria provided, single submitter. Criteria: GeneDx Variant Classification Process June 2021. Collection method: clinical testing. Allele origin: germline.
Comment: Not observed at significant frequency in large population cohorts (gnomAD); Has not been previously published as pathogenic or benign to our knowledge; Canonical splice site variant in a gene for which loss of function is not an established mechanism of disease